The following is an entry in ClinVar:

NM_198253.3(TERT):c.1285G>A (p.Glu429Lys)

Gene: TERT (telomerase reverse transcriptase; minus strand). Cytogenetic location: 5p15.33.
Variant type: single nucleotide variant.
Coding change: c.1285G>A on transcript NM_198253.3 (MANE Select); coding-DNA position 1285, G replaced by A.
Protein change: p.Glu429Lys; replaces glutamic acid 429 with lysine.
Molecular consequence: missense variant. On other transcripts: non-coding transcript variant (2).
Genome position (GRCh38, 1-based): chr5:1,293,601, C>T on the plus strand (G>A on the coding strand, the complement: TERT is on the minus strand). VCF-style: chr5-1293601-C-T. GRCh37 (hg19) VCF-style: chr5-1293716-C-T.
Other names: c.1285G>A, p.Glu429Lys (NM_001193376.3); short protein forms E429K.
Identifiers: ClinVar variation 568674 (VCV000568674.11), dbSNP rs1561213553, ClinGen allele CA359086369.

ClinVar aggregate classification (germline): Uncertain significance. Review status: criteria provided, multiple submitters, no conflicts (2 of 4 stars). 4 submissions from 4 submitters: Uncertain significance (4). Last evaluated 2026-04-23.

Conditions:
Dyskeratosis congenita. Identifiers: Orphanet 1775, MedGen C0265965, MONDO:0015780.
Dyskeratosis congenita, autosomal dominant 2. Identifiers: MedGen C3151443, MONDO:0013521, OMIM 613989.
Idiopathic Pulmonary Fibrosis. Also called: Idiopathic fibrosing alveolitis, chronic form; idiopathic fibrosing alveolitis. Identifiers: Orphanet 2032, MedGen C1800706, MeSH D054990, MONDO:0800504.
Acute myeloid leukemia (AML). Also called: Leukemia, acute myeloid, somatic; Leukemia, acute myelogenous, somatic; Acute myeloid leukemia, adult; AML adult; Acute non-lymphocytic leukemia; Acute granulocytic leukemia. Identifiers: Orphanet 519, MedGen C0023467, MeSH D015470, MONDO:0018874, OMIM 601626, HP:0004808. Disease mechanism: Constitutively activated FLT3.
Pulmonary fibrosis and/or bone marrow failure, Telomere-related, 1. Also called: PULMONARY FIBROSIS AND/OR BONE MARROW FAILURE SYNDROME, TELOMERE-RELATED, 1. Identifiers: Orphanet 88, MedGen C3553617, MONDO:0013878, OMIM 614742.
Melanoma, cutaneous malignant, susceptibility to, 9. Also called: Cutaneous malignant melanoma 9. Identifiers: Orphanet 618, MedGen C3554574, MONDO:0014056, OMIM 615134.

Allele frequency attached by ClinVar (database versions not stated): gnomAD exomes below 0.00001.
gnomAD v4.1: 1 of 1,548,590 alleles (0.000065%); highest among the groups gnomAD compares: Non-Finnish European, 0.000087%; no homozygotes.

Submissions (4):

Ambry Genetics
Classification: Uncertain significance for Dyskeratosis congenita. Last evaluated: 2026-04-23. Review status: criteria provided, single submitter. Criteria: Ambry Variant Classification Scheme 2023. Collection method: clinical testing. Allele origin: germline.
Comment: The p.E429K variant (also known as c.1285G>A), located in coding exon 2 of the TERT gene, results from a G to A substitution at nucleotide position 1285. The glutamic acid at codon 429 is replaced by lysine, an amino acid with similar properties. This amino acid position is not well conserved in available vertebrate species. In addition, the in silico prediction for this alteration is inconclusive. Based on the available evidence, the clinical significance of this variant remains unclear.

Labcorp Genetics (formerly Invitae), Labcorp
Classification: Uncertain significance for Dyskeratosis congenita, autosomal dominant 2; Idiopathic Pulmonary Fibrosis. Last evaluated: 2024-08-21. Review status: criteria provided, single submitter. Criteria: Invitae Variant Classification Sherloc (09022015). Collection method: clinical testing. Allele origin: germline.
Comment: This sequence change replaces glutamic acid, which is acidic and polar, with lysine, which is basic and polar, at codon 429 of the TERT protein (p.Glu429Lys). This variant is not present in population databases (gnomAD no frequency). This variant has not been reported in the literature in individuals affected with TERT-related conditions. ClinVar contains an entry for this variant (Variation ID: 568674). An algorithm developed to predict the effect of missense changes on protein structure and function outputs the following: PolyPhen-2: "Benign". The lysine amino acid residue is found in multiple mammalian species, which suggests that this missense change does not adversely affect protein function. In summary, the available evidence is currently insufficient to determine the role of this variant in disease. Therefore, it has been classified as a Variant of Uncertain Significance.

Fulgent Genetics
Classification: Uncertain significance for Acute myeloid leukemia; Dyskeratosis congenita, autosomal dominant 2; Pulmonary fibrosis and/or bone marrow failure, Telomere-related, 1; Melanoma, cutaneous malignant, susceptibility to, 9. Last evaluated: 2024-02-26. Review status: criteria provided, single submitter. Criteria: ACMG Guidelines, 2015. Collection method: clinical testing. Allele origin: germline.

GeneDx
Classification: Uncertain significance. Last evaluated: 2024-02-20. Review status: criteria provided, single submitter. Criteria: GeneDx Variant Classification Process June 2021. Collection method: clinical testing. Allele origin: germline. Affected: yes.
Comment: Not observed at significant frequency in large population cohorts (gnomAD); In silico analysis supports that this missense variant does not alter protein structure/function; Has not been previously published as pathogenic or benign to our knowledge